The following is an entry in ClinVar:

ClinVar aggregate classification (germline): Uncertain significance (1 of 4 stars; one submission).

Conditions:
Hereditary cancer-predisposing syndrome. Also called: Neoplastic Syndromes, Hereditary; Tumor predisposition; Hereditary neoplastic syndrome; Hereditary Cancer Syndrome. Identifiers: Orphanet 140162, MedGen C0027672, MeSH D009386, MONDO:0015356.

Submission:

Ambry Genetics
Classification: Uncertain significance for Hereditary cancer-predisposing syndrome. Last evaluated: 2026-07-01. Review status: criteria provided, single submitter. Criteria: Ambry Variant Classification Scheme 2023. Collection method: clinical testing. Allele origin: germline.
Comment: The p.I337K variant (also known as c.1010T>A), located in coding exon 7 of the BRIP1 gene, results from a T to A substitution at nucleotide position 1010. The isoleucine at codon 337 is replaced by lysine, an amino acid with dissimilar properties. This amino acid position is conserved. In addition, this alteration is predicted to be deleterious by in silico analysis. Based on the available evidence, the clinical significance of this variant remains unclear.

NM_032043.3(BRIP1):c.1010T>A (p.Ile337Lys)

Gene: BRIP1 (BRCA1 interacting DNA helicase 1; minus strand). Cytogenetic location: 17q23.2.
Variant type: single nucleotide variant.
Coding change: c.1010T>A on transcript NM_032043.3 (MANE Select); coding-DNA position 1010, T replaced by A.
Protein change: p.Ile337Lys; replaces isoleucine 337 with lysine.
Molecular consequence: missense variant.
Genome position (GRCh38, 1-based): chr17:61,801,383, A>T on the plus strand (T>A on the coding strand, the complement: BRIP1 is on the minus strand). VCF-style: chr17-61801383-A-T. GRCh37 (hg19) VCF-style: chr17-59878744-A-T.
Other names: short protein forms I337K.
Identifiers: ClinVar variation 5033392 (VCV005033392.1).